The following is an entry in ClinVar:

NM_000212.3(ITGB3):c.2180T>A (p.Met727Lys)

Genes: EFCAB13-DT (EFCAB13 divergent transcript; minus strand), ITGB3 (integrin subunit beta 3; plus strand). Cytogenetic location: 17q21.32.
Variant type: single nucleotide variant.
Coding change: c.2180T>A on transcript NM_000212.3 (MANE Select); coding-DNA position 2180, T replaced by A.
Protein change: p.Met727Lys; replaces methionine 727 with lysine.
Molecular consequence: missense variant.
Genome position (GRCh38, 1-based): chr17:47,307,516, T>A. VCF-style: chr17-47307516-T-A. GRCh37 (hg19) VCF-style: chr17-45384882-T-A.
Other names: short protein forms M727K.
Identifiers: ClinVar variation 4694976 (VCV004694976.1).
Genomic context (GRCh38, chr17:47,307,516, plus strand): 5'-GCTTCTTCCTCACAGAGTGTCCCAAGGGCCCTGACATCCTGGTGGTCCTGCTCTCAGTGA[T>A]GGGGGCCATTCTGCTCATTGGCCTTGCCGCCCTGCTCATCTGGAAACTCCTCATCACCAT-3'
Protein context (NP_000203.2, residues 717-737): PDILVVLLSV[Met727Lys]GAILLIGLAA

ClinVar aggregate classification (germline): Uncertain significance (1 of 4 stars; one submission).

gnomAD v4.1: 2 of 1,614,192 alleles (0.00012%); highest among the groups gnomAD compares: Admixed American, 0.0033%; no homozygotes.

Submission:

Labcorp Genetics (formerly Invitae), Labcorp
Classification: Uncertain significance. Last evaluated: 2025-04-17. Review status: criteria provided, single submitter. Criteria: Invitae Variant Classification Sherloc (09022015). Collection method: clinical testing. Allele origin: germline.
Comment: This sequence change replaces methionine, which is neutral and non-polar, with lysine, which is basic and polar, at codon 727 of the ITGB3 protein (p.Met727Lys). This variant is present in population databases (no rsID available, gnomAD 0.006%). This variant has not been reported in the literature in individuals affected with ITGB3-related conditions. Invitae Evidence Modeling of protein sequence and biophysical properties (such as structural, functional, and spatial information, amino acid conservation, physicochemical variation, residue mobility, and thermodynamic stability) has been performed for this missense variant. However, the output from this modeling did not meet the statistical confidence thresholds required to predict the impact of this variant on ITGB3 protein function. In summary, the available evidence is currently insufficient to determine the role of this variant in disease. Therefore, it has been classified as a Variant of Uncertain Significance.